The following continues an entry in ClinVar:

NM_017777.4(MKS1):c.1408-34_1408-6del

Gene: MKS1. ClinVar aggregate classification (germline): Pathogenic. Pathogenic (22).

Submissions 15 to 25 of 25:

GeneDx
Classification: Pathogenic. Last evaluated: 2022-05-03. Review status: criteria provided, single submitter. Criteria: GeneDx Variant Classification Process June 2021. Collection method: clinical testing. Allele origin: germline. Affected: yes.
Comment: Described as a founder mutation in the Finnish population and many other European populations (Kyttala et al., 2006; Frank et al., 2007); Published functional studies demonstrate abnormal gene splicing (Kyttala et al., 2006); In silico analysis, which includes splice predictors and evolutionary conservation, supports a deleterious effect; This variant is associated with the following publications: (PMID: 17377820, 23351400, 17437276, 17935508, 16415886, 17397051, 27377014, 29096034)

Ambry Genetics
Classification: Pathogenic for Inborn genetic diseases. Last evaluated: 2022-01-26. Review status: criteria provided, single submitter. Criteria: Ambry Variant Classification Scheme 2023. Collection method: clinical testing. Allele origin: germline.
Comment: The c.1408-34_1408-6del29 alteration is located in intron 15 of the MKS1 gene. This alteration consists of a deletion of 29 nucleotides at nucleotide position c.1408-34 to c.1408-6. This mutation has been identified in the homozygous state in multiple Meckel syndrome families and is considered a founder mutation in the Finnish population (Kytt&auml;l&auml;, 2006). It has also been reported in several other individuals in the homozygous or compound heterozygous state with Meckel syndrome or a MKS1-related ciliopathy (Consugar, 2007; Szymanska, 2012; Bader, 2016). Analysis of fibroblasts from an individual homozygous for this mutation demonstrated aberrant splicing (Kytt&auml;l&auml;, 2006). Based on the available evidence, this alteration is classified as pathogenic.

Myriad Genetics, Inc.
Classification: Pathogenic for Meckel syndrome, type 1. Last evaluated: 2019-12-24. Review status: criteria provided, single submitter. Criteria: Myriad Women's Health Autosomal Recessive and X-Linked Classification Criteria (2019). Collection method: clinical testing. Allele origin: unknown.
Comment: NM_017777.3(MKS1):c.1408-34_1408-6del29 is classified as pathogenic in the context of MKS1-related disorders. Sources cited for classification include the following: PMID 16415886 and 23351400. Classification of NM_017777.3(MKS1):c.1408-34_1408-6del29 is based on the following criteria: This is a well-established pathogenic variant in the literature that has been observed more frequently in patients with clinical diagnoses than in healthy populations. Please note: this variant was assessed in the context of healthy population screening.

Genetic Services Laboratory, University of Chicago
Classification: Pathogenic. Last evaluated: 2019-05-29. Review status: criteria provided, single submitter. Criteria: ACMG Guidelines, 2015. Collection method: clinical testing. Allele origin: germline. Affected: yes.
Comment: DNA sequence analysis of the MKS1 gene demonstrated a 29 bp-deletion in intron 15, c.1408-34_1408-6del. This intronic change is a founder mutation in the Finnish population and a known cause of Meckel-Gruber syndrome. It has been reported in the homozygous and compound heterozygous state in multiple affected individuals (PMIDs: 16415886, 17935508, 17397051). Functional studies in an affected individual's fibroblasts have demonstrated that this variant disrupts mRNA splicing leading to a premature stop codon and a truncated or absent protein (PMID: 16415886).

Knight Diagnostic Laboratories, Oregon Health and Sciences University
Classification: Pathogenic for Joubert syndrome 28. Last evaluated: 2018-04-08. Review status: criteria provided, single submitter. Criteria: ACMG Guidelines, 2015. Collection method: clinical testing. Allele origin: germline. Observed: 1 variant allele.

Eurofins Ntd Llc (ga)
Classification: Pathogenic. Last evaluated: 2017-04-11. Review status: criteria provided, single submitter. Criteria: EGL Classification Definitions. Collection method: clinical testing. Allele origin: germline. Observed: 5 variant alleles, 5 heterozygotes.

Universitätsklinikum Salzburg, Universitätskinderklinik
Classification: Pathogenic for Joubert syndrome. Last evaluated: 2016-06-19. Review status: criteria provided, single submitter. Criteria: ACMG Guidelines, 2015. Collection method: clinical testing. Allele origin: maternal. Affected: yes. Observed: 1 variant allele.

Institute of Human Genetics, University Hospital of Duesseldorf
Classification: Pathogenic for Meckel syndrome, type 1. Review status: criteria provided, single submitter. Criteria: ACMG Guidelines, 2015. Collection method: not provided. Allele origin: germline. Inheritance: Autosomal recessive inheritance. Affected: yes.

Counsyl
Classification: Pathogenic for Joubert syndrome 28. Last evaluated: 2017-11-29. Review status: no assertion criteria provided. Collection method: clinical testing. Allele origin: unknown. Not counted in ClinVar's aggregate classification.

OMIM
Classification: Pathogenic for MECKEL SYNDROME, TYPE 1. Last evaluated: 2007-11-01. Review status: no assertion criteria provided. Collection method: literature only. Allele origin: germline. Not counted in ClinVar's aggregate classification.

Juha Muilu Group; Institute for Molecular Medicine Finland (FIMM)
Classification: Pathogenic for Meckel syndrome type1. Review status: no assertion criteria provided. Collection method: not provided. Allele origin: unknown. Not counted in ClinVar's aggregate classification.
Comment: FinDis database variant: This variant was not found or characterized by our laboratory, data were collected from public sources: see reference
ClinVar note: Converted during submission from pathogenic to Pathogenic.

Literature cited by the submitters: PubMed 16415886 (cited by 7 submitters); PubMed 17377820 (cited by 3 submitters); PubMed 17397051 (cited by 3 submitters); PubMed 17437276 (cited by Labcorp Genetics (formerly Invitae), Labcorp); PubMed 17935508 (cited by Labcorp Genetics (formerly Invitae), Labcorp and OMIM); PubMed 23351400 (cited by 5 submitters); PubMed 17576681 (cited by Labcorp Genetics (formerly Invitae), Labcorp); PubMed 9536098 (cited by Labcorp Genetics (formerly Invitae), Labcorp); PubMed 27377014 (cited by Ambry Genetics and Universitätsklinikum Salzburg, Universitätskinderklinik).